The following is an entry in ClinVar:

ClinVar aggregate classification (germline): Uncertain significance. Review status: criteria provided, multiple submitters, no conflicts (2 of 4 stars). 2 submissions from 2 submitters: Uncertain significance (2). Last evaluated 2025-04-04.

Conditions:
Hereditary cancer-predisposing syndrome. Also called: Neoplastic Syndromes, Hereditary; Hereditary Cancer Syndrome; Tumor predisposition; Hereditary neoplastic syndrome. Identifiers: Orphanet 140162, MedGen C0027672, MeSH D009386, MONDO:0015356.

Submissions (2):

Ambry Genetics
Classification: Uncertain significance for Hereditary cancer-predisposing syndrome. Last evaluated: 2025-04-04. Review status: criteria provided, single submitter. Criteria: Ambry Variant Classification Scheme 2023. Collection method: clinical testing. Allele origin: germline.
Comment: The p.H203R variant (also known as c.608A>G), located in coding exon 5 of the CTNNA1 gene, results from an A to G substitution at nucleotide position 608. The histidine at codon 203 is replaced by arginine, an amino acid with highly similar properties. In one study, this alteration was identified in 1/151,425 individuals who underwent multi-gene germline genetic testing and classified as a variant of uncertain significance by the authors (Clark DF et al. Genet Med, 2020 05;22:840-846). This amino acid position is well conserved in available vertebrate species. In addition, this alteration is predicted to be tolerated by in silico analysis. Based on the available evidence, the clinical significance of this variant remains unclear.

Labcorp Genetics (formerly Invitae), Labcorp
Classification: Uncertain significance. Last evaluated: 2019-04-07. Review status: criteria provided, single submitter. Criteria: Invitae Variant Classification Sherloc (09022015). Collection method: clinical testing. Allele origin: germline.
Comment: Algorithms developed to predict the effect of missense changes on protein structure and function are either unavailable or do not agree on the potential impact of this missense change (SIFT: "Deleterious"; PolyPhen-2: "Benign"; Align-GVGD: "Class C0"). In summary, the available evidence is currently insufficient to determine the role of this variant in disease. Therefore, it has been classified as a Variant of Uncertain Significance. This variant has not been reported in the literature in individuals with CTNNA1-related conditions. This variant is not present in population databases (ExAC no frequency). This sequence change replaces histidine with arginine at codon 203 of the CTNNA1 protein (p.His203Arg). The histidine residue is moderately conserved and there is a small physicochemical difference between histidine and arginine.

Literature cited by the submitters: PubMed 32051609 (cited by Ambry Genetics).

NM_001903.5(CTNNA1):c.608A>G (p.His203Arg)

Gene: CTNNA1 (catenin alpha 1; plus strand). Cytogenetic location: 5q31.2.
Variant type: single nucleotide variant.
Coding change: c.608A>G on transcript NM_001903.5 (MANE Select); coding-DNA position 608, A replaced by G.
Protein change: p.His203Arg; replaces histidine 203 with arginine.
Molecular consequence: missense variant.
Genome position (GRCh38, 1-based): chr5:138,824,549, A>G. VCF-style: chr5-138824549-A-G. GRCh37 (hg19) VCF-style: chr5-138160238-A-G.
Other names: c.608A>G, p.His203Arg (NM_001290307.3, NM_001323982.2, NM_001323983.1 and 3 more transcripts); c.299A>G, p.His100Arg (NM_001290309.3); c.239A>G, p.His80Arg (NM_001290310.3); short protein forms H100R, H203R, H80R.
Identifiers: ClinVar variation 854844 (VCV000854844.13), dbSNP rs1760440516, ClinGen allele CA361129430.